The following is an entry in ClinVar:

ClinVar aggregate classification (germline): Uncertain significance (1 of 4 stars; one submission).

Submission:

Ambry Genetics
Classification: Uncertain significance. Last evaluated: 2026-05-13. Review status: criteria provided, single submitter. Criteria: Ambry Variant Classification Scheme 2023. Collection method: clinical testing. Allele origin: germline.
Comment: The p.A440G variant (also known as c.1319C>G), located in coding exon 8 of the ATRIP gene, results from a C to G substitution at nucleotide position 1319. The alanine at codon 440 is replaced by glycine, an amino acid with similar properties. This amino acid position is well conserved in available vertebrate species. In addition, this alteration is predicted to be tolerated by in silico analysis. The evidence for this gene-disease relationship is limited; therefore, the clinical significance of this variant is unclear.

NM_130384.3(ATRIP):c.1319C>G (p.Ala440Gly)

Genes: ATRIP (ATR interacting protein; plus strand), ATRIP-TREX1 (ATRIP-TREX1 readthrough; plus strand). Cytogenetic location: 3p21.31.
Variant type: single nucleotide variant.
Coding change: c.1319C>G on transcript NM_130384.3 (MANE Select); coding-DNA position 1319, C replaced by G.
Protein change: p.Ala440Gly; replaces alanine 440 with glycine.
Molecular consequence: missense variant. On other transcripts: non-coding transcript variant (1).
Genome position (GRCh38, 1-based): chr3:48,460,373, C>G. VCF-style: chr3-48460373-C-G. GRCh37 (hg19) VCF-style: chr3-48501772-C-G.
Other names: c.938C>G, p.Ala313Gly (NM_001271022.2); c.1040C>G, p.Ala347Gly (NM_001271023.2); c.1319C>G, p.Ala440Gly (NM_032166.4); short protein forms A313G, A347G, A440G.
Identifiers: ClinVar variation 4867234 (VCV004867234.1).
Genomic context (GRCh38, chr3:48,460,373, plus strand): 5'-TCCCCCTTGTACAGTTCTTCATCGGCTTACACTGCCAGGCCCTGCAGGACTTGGCAGCTG[C>G]TAAGAGAAGCGGAGCACCTGGGGACTCACCGACACATTCCTCCTGCGTGAGCTCTGGGGT-3'
Protein context (NP_569055.1, residues 430-450): HCQALQDLAA[Ala440Gly]KRSGAPGDSP